The following is an entry in ClinVar:

NM_000321.3(RB1):c.812C>T (p.Thr271Ile)

Gene: RB1 (RB transcriptional corepressor 1; plus strand). Cytogenetic location: 13q14.2.
Variant type: single nucleotide variant.
Coding change: c.812C>T on transcript NM_000321.3 (MANE Select); coding-DNA position 812, C replaced by T.
Protein change: p.Thr271Ile; replaces threonine 271 with isoleucine.
Molecular consequence: missense variant.
Genome position (GRCh38, 1-based): chr13:48,362,908, C>T. VCF-style: chr13-48362908-C-T. GRCh37 (hg19) VCF-style: chr13-48937044-C-T.
Other names: short protein forms T271I.
Identifiers: ClinVar variation 842728 (VCV000842728.16), dbSNP rs1191072088, ClinGen allele CA388159537.

ClinVar aggregate classification (germline): Uncertain significance. Review status: criteria provided, multiple submitters, no conflicts (2 of 4 stars). 3 submissions from 3 submitters: Uncertain significance (3). Last evaluated 2026-07-08.

Conditions:
Retinoblastoma (RB1). Also called: RETINOBLASTOMA, SOMATIC. Identifiers: Orphanet 790, MedGen C0035335, MeSH D012175, MONDO:0008380, OMIM 180200, HP:0009919. Disease mechanism: loss of function. Inheritance: Both sporadic and heritable forms are tested..
Malignant tumor of urinary bladder. Also called: Bladder cancer; Urinary bladder cancer; Urinary Bladder Neoplasms. Identifiers: MedGen C0005684, MONDO:0001187, OMIM 109800.
Hereditary cancer-predisposing syndrome. Also called: Tumor predisposition; Hereditary neoplastic syndrome; Neoplastic Syndromes, Hereditary; Hereditary Cancer Syndrome. Identifiers: Orphanet 140162, MedGen C0027672, MeSH D009386, MONDO:0015356.

Allele frequency attached by ClinVar (database versions not stated): gnomAD exomes below 0.00001.
gnomAD v4.1: 4 of 1,613,776 alleles (0.00025%); highest among the groups gnomAD compares: Non-Finnish European, 0.00025%; no homozygotes.

Submissions (3):

Ambry Genetics
Classification: Uncertain significance for Hereditary cancer-predisposing syndrome. Last evaluated: 2026-07-08. Review status: criteria provided, single submitter. Criteria: Ambry Variant Classification Scheme 2023. Collection method: clinical testing. Allele origin: germline.
Comment: The p.T271I variant (also known as c.812C>T), located in coding exon 8 of the RB1 gene, results from a C to T substitution at nucleotide position 812. The threonine at codon 271 is replaced by isoleucine, an amino acid with similar properties. This amino acid position is well conserved in available vertebrate species. In addition, this alteration is predicted to be tolerated by in silico analysis. Since supporting evidence is limited at this time, the clinical significance of this alteration remains unclear.

Labcorp Genetics (formerly Invitae), Labcorp
Classification: Uncertain significance for Retinoblastoma. Last evaluated: 2024-02-18. Review status: criteria provided, single submitter. Criteria: Invitae Variant Classification Sherloc (09022015). Collection method: clinical testing. Allele origin: germline.
Comment: This sequence change replaces threonine, which is neutral and polar, with isoleucine, which is neutral and non-polar, at codon 271 of the RB1 protein (p.Thr271Ile). This variant is present in population databases (no rsID available, gnomAD 0.0009%). This variant has not been reported in the literature in individuals affected with RB1-related conditions. ClinVar contains an entry for this variant (Variation ID: 842728). Advanced modeling of protein sequence and biophysical properties (such as structural, functional, and spatial information, amino acid conservation, physicochemical variation, residue mobility, and thermodynamic stability) performed at Invitae indicates that this missense variant is not expected to disrupt RB1 protein function with a negative predictive value of 80%. In summary, the available evidence is currently insufficient to determine the role of this variant in disease. Therefore, it has been classified as a Variant of Uncertain Significance.

Baylor Genetics
Classification: Uncertain significance for Malignant tumor of urinary bladder. Last evaluated: 2023-12-30. Review status: criteria provided, single submitter. Criteria: ACMG Guidelines, 2015. Collection method: clinical testing. Allele origin: unknown.